The following is an entry in ClinVar:

NM_004746.4(DLGAP1):c.345C>T (p.Arg115=)

Genes: DLGAP1 (DLG associated protein 1; minus strand), DLGAP1-AS3 (DLGAP1 antisense RNA 3; plus strand). Cytogenetic location: 18p11.31.
Variant type: single nucleotide variant.
Coding change: c.345C>T on transcript NM_004746.4 (MANE Select); coding-DNA position 345, C replaced by T.
Protein change: p.Arg115=; no amino-acid change (arginine 115 retained).
Molecular consequence: synonymous variant.
Genome position (GRCh38, 1-based): chr18:3,879,724, G>A on the plus strand (C>T on the coding strand, the complement: DLGAP1 is on the minus strand). VCF-style: chr18-3879724-G-A. GRCh37 (hg19) VCF-style: chr18-3879724-G-A.
Other names: c.345C>T, p.Arg115= (NM_001242761.2, NM_001398525.1, NM_001398526.1 and 2 more transcripts).
Identifiers: ClinVar variation 3038851 (VCV003038851.2), dbSNP rs777255082, ClinGen allele CA8876766.
Genomic context (GRCh38, chr18:3,879,724, plus strand): 5'-GGGGCTGTCGCTGCGGTGCTCCACGGCCGTGCGCTTGTACTGCAGGGTGTGATAGCCATC[G>A]CGGCTGAGTGGCAGCTGCCGCTCGAACTGGTCCAGCAGGTTGGCGGGGATGCGGTTCGCC-3'
Protein context (NP_004737.2, residues 105-125): DQFERQLPLS[Arg115=]DGYHTLQYKR

ClinVar aggregate classification (germline): Likely benign (0 of 4 stars; one submission).

Conditions:
DLGAP1-related disorder. Also called: DLGAP1-related condition.

Allele frequency attached by ClinVar (database versions not stated): ExAC 0.00004; gnomAD 0.00006; TOPMed 0.00008.
gnomAD v4.1: 76 of 1,608,668 alleles (0.0047%); highest among the groups gnomAD compares: Middle Eastern, 0.049%; no homozygotes.

Submission:

PreventionGenetics, part of Exact Sciences
Classification: Likely benign for DLGAP1-related condition. Last evaluated: 2019-09-19. Review status: no assertion criteria provided. Collection method: clinical testing. Allele origin: germline.
Comment: This variant is classified as likely benign based on ACMG/AMP sequence variant interpretation guidelines (Richards et al. 2015 PMID: 25741868, with internal and published modifications).